The following is an entry in ClinVar:

ClinVar aggregate classification (germline): Likely benign. Review status: criteria provided, single submitter (1 of 4 stars). 2 submissions from 2 submitters: Likely benign (1). 1 of the submissions does not count toward it. Last evaluated 2022-07-20.

Conditions:
ATP6V0A2-related disorder. Also called: ATP6V0A2-related condition.

Allele frequency attached by ClinVar (database versions not stated): ExAC 0.00004.
gnomAD v4.1: 25 of 1,614,170 alleles (0.0015%); highest among the groups gnomAD compares: South Asian, 0.024%; no homozygotes.

Submissions (2):

Blueprint Genetics
Classification: Likely benign. Last evaluated: 2022-07-20. Review status: criteria provided, single submitter. Criteria: ACMG Guidelines, 2015. Collection method: clinical testing. Allele origin: germline.

PreventionGenetics, part of Exact Sciences
Classification: Likely benign for ATP6V0A2-related condition. Last evaluated: 2021-01-11. Review status: no assertion criteria provided. Collection method: clinical testing. Allele origin: germline. Not counted in ClinVar's aggregate classification.
Comment: This variant is classified as likely benign based on ACMG/AMP sequence variant interpretation guidelines (Richards et al. 2015 PMID: 25741868, with internal and published modifications).

NM_012463.4(ATP6V0A2):c.1986C>G (p.Val662=)

Gene: ATP6V0A2 (ATPase H+ transporting V0 subunit a2; plus strand). Cytogenetic location: 12q24.31.
Variant type: single nucleotide variant.
Coding change: c.1986C>G on transcript NM_012463.4 (MANE Select); coding-DNA position 1986, C replaced by G.
Protein change: p.Val662=; no amino-acid change (valine 662 retained).
Molecular consequence: synonymous variant.
Genome position (GRCh38, 1-based): chr12:123,751,160, C>G. VCF-style: chr12-123751160-C-G. GRCh37 (hg19) VCF-style: chr12-124235707-C-G.
Identifiers: ClinVar variation 3030090 (VCV003030090.3), dbSNP rs760292376, ClinGen allele CA6862086.